The following is an entry in ClinVar:

ClinVar aggregate classification (germline): Uncertain significance (1 of 4 stars; one submission).

Submission:

GeneDx
Classification: Uncertain significance. Last evaluated: 2024-10-31. Review status: criteria provided, single submitter. Criteria: GeneDx Variant Classification Process June 2021. Collection method: clinical testing. Allele origin: germline. Affected: yes.
Comment: Not observed at significant frequency in large population cohorts (gnomAD); In silico analysis supports that this missense variant does not alter protein structure/function; Has not been previously published as pathogenic or benign to our knowledge

NM_015346.4(ZFYVE26):c.5065A>G (p.Met1689Val)

Gene: ZFYVE26 (zinc finger FYVE-type containing 26; minus strand). Cytogenetic location: 14q24.1.
Variant type: single nucleotide variant.
Coding change: c.5065A>G on transcript NM_015346.4 (MANE Select); coding-DNA position 5065, A replaced by G.
Protein change: p.Met1689Val; replaces methionine 1689 with valine.
Molecular consequence: missense variant.
Genome position (GRCh38, 1-based): chr14:67,776,016, T>C on the plus strand (A>G on the coding strand, the complement: ZFYVE26 is on the minus strand). VCF-style: chr14-67776016-T-C. GRCh37 (hg19) VCF-style: chr14-68242733-T-C.
Other names: short protein forms M1689V.
Identifiers: ClinVar variation 3899488 (VCV003899488.1).